The following is an entry in ClinVar:

NM_000059.4(BRCA2):c.5835dup (p.Ser1946fs)

Gene: BRCA2 (BRCA2 DNA repair associated; plus strand). Cytogenetic location: 13q13.1.
Variant type: Duplication.
Coding change: c.5835dup on transcript NM_000059.4 (MANE Select); coding-DNA position 5835, one base duplicated (A; older notation c.5835dupA).
Protein change: p.Ser1946fs; shifts the reading frame from serine 1946.
Molecular consequence: frameshift variant.
Genome position (GRCh38, 1-based): chr13:32,340,190, A duplicated. VCF-style (leftmost placement, unchanged base first): chr13-32340189-T-TA. GRCh37 (hg19) VCF-style: chr13-32914326-T-TA.
Other names: 6063insA; c.5835dupA (NM_000059.3); short protein forms S1946fs.
Identifiers: ClinVar variation 266899 (VCV000266899.15), dbSNP rs886040614, ClinGen allele CA10589333.
Genomic context (GRCh38, chr13:32,340,189, plus strand): 5'-AGAGTGAAGAAATTTTACAACATAACCAAAATATGTCTGGATTGGAGAAAGTTTCTAAAA[T>TA]ATCACCTTGTGATGTTAGTTTGGAAACTTCAGATATATGTAAATGTAGTATAGGGAAGCT-3'

ClinVar aggregate classification (germline): Pathogenic. Review status: reviewed by expert panel (3 of 4 stars). 4 submissions from 4 submitters: Pathogenic (1). 3 of the submissions do not count toward it. Last evaluated 2016-10-18.

Conditions:
Hereditary cancer-predisposing syndrome. Also called: Hereditary neoplastic syndrome; Neoplastic Syndromes, Hereditary; Tumor predisposition; Hereditary Cancer Syndrome. Identifiers: Orphanet 140162, MedGen C0027672, MeSH D009386, MONDO:0015356.
Breast-ovarian cancer, familial, susceptibility to, 2 (BROVCA2). Also called: BRCA2 Hereditary Breast and Ovarian Cancer. Identifiers: Orphanet 145, MedGen C2675520, MONDO:0012933, OMIM 612555. Disease mechanism: loss of function.
Hereditary breast ovarian cancer syndrome. Also called: BRCA1- and BRCA2-Associated Hereditary Breast and Ovarian Cancer; Hereditary breast and ovarian cancer; Breast and ovarian cancer; Hereditary breast and/or ovarian cancer syndrome; Hereditary breast and ovarian cancer syndrome; Hereditary breast and ovarian cancer syndrome (HBOC). Identifiers: Orphanet 145, MedGen C0677776, MeSH D061325, MONDO:0003582. Disease mechanism: loss of function.

Submissions (4):

Evidence-based Network for the Interpretation of Germline Mutant Alleles (ENIGMA)
Classification: Pathogenic for Breast-ovarian cancer, familial, susceptibility to, 2. Last evaluated: 2016-10-18. Review status: reviewed by expert panel. Criteria: ENIGMA BRCA1/2 Classification Criteria (2015). Collection method: curation. Allele origin: germline.
Comment: Variant allele predicted to encode a truncated non-functional protein.

Ambry Genetics
Classification: Pathogenic for Hereditary cancer-predisposing syndrome. Last evaluated: 2024-04-03. Review status: criteria provided, single submitter. Criteria: Ambry Variant Classification Scheme 2023. Collection method: clinical testing. Allele origin: germline. Not counted in ClinVar's aggregate classification.
Comment: The c.5835dupA pathogenic mutation, located in coding exon 10 of the BRCA2 gene, results from a duplication of A at nucleotide position 5835, causing a translational frameshift with a predicted alternate stop codon (p.S1946Ifs*4). This alteration is expected to result in loss of function by premature protein truncation or nonsense-mediated mRNA decay. As such, this alteration is interpreted as a disease-causing mutation.

Labcorp Genetics (formerly Invitae), Labcorp
Classification: Pathogenic for Hereditary breast ovarian cancer syndrome. Last evaluated: 2022-01-13. Review status: criteria provided, single submitter. Criteria: Invitae Variant Classification Sherloc (09022015). Collection method: clinical testing. Allele origin: germline. Not counted in ClinVar's aggregate classification.
Comment: For these reasons, this variant has been classified as Pathogenic. ClinVar contains an entry for this variant (Variation ID: 266899). This premature translational stop signal has been observed in individual(s) with high risk of breast and/or ovarian cancer (PMID: 29446198). This variant is not present in population databases (gnomAD no frequency). This sequence change creates a premature translational stop signal (p.Ser1946Ilefs*4) in the BRCA2 gene. It is expected to result in an absent or disrupted protein product. Loss-of-function variants in BRCA2 are known to be pathogenic (PMID: 20104584).

Consortium of Investigators of Modifiers of BRCA1/2 (CIMBA), c/o University of Cambridge
Classification: Pathogenic for Breast-ovarian cancer, familial, susceptibility to, 2. Last evaluated: 2015-10-02. Review status: criteria provided, single submitter. Criteria: CIMBA Mutation Classification guidelines May 2016. Collection method: clinical testing. Allele origin: germline. Not counted in ClinVar's aggregate classification.

Literature cited by the submitters: PubMed 29446198 (cited by Labcorp Genetics (formerly Invitae), Labcorp); PubMed 20104584 (cited by Labcorp Genetics (formerly Invitae), Labcorp).